The following is an entry in ClinVar:

NM_005557.4(KRT16):c.771+3A>G

Gene: KRT16 (keratin 16; minus strand). Cytogenetic location: 17q21.2.
Variant type: single nucleotide variant.
Coding change: c.771+3A>G on transcript NM_005557.4 (MANE Select); 3 bases into the intron after coding-DNA position 771, A replaced by G.
Molecular consequence: intron variant.
Genome position (GRCh38, 1-based): chr17:41,611,342, T>C on the plus strand (A>G on the coding strand, the complement: KRT16 is on the minus strand). VCF-style: chr17-41611342-T-C. GRCh37 (hg19) VCF-style: chr17-39767594-T-C.
Identifiers: ClinVar variation 778711 (VCV000778711.35), dbSNP rs113890856, ClinGen allele CA8563139.

ClinVar aggregate classification (germline): Benign/Likely benign. Review status: criteria provided, multiple submitters, no conflicts (2 of 4 stars). 4 submissions from 4 submitters: Benign (2); Likely benign (2). Last evaluated 2026-01-27.

Allele frequency attached by ClinVar (database versions not stated): gnomAD exomes 0.00030 and 0.00075; ExAC 0.00089; ESP Exome Variant Server 0.00238; gnomAD 0.00244 and 0.00255; TOPMed 0.00267; 1000 Genomes Project 30x 0.00437; 1000 Genomes Project 0.00439.
gnomAD v4.1: 860 of 1,614,100 alleles (0.053%); highest among the groups gnomAD compares: African/African-American, 0.94%; 7 homozygotes.

Submissions (4):

Labcorp Genetics (formerly Invitae), Labcorp
Classification: Benign. Last evaluated: 2026-01-27. Review status: criteria provided, single submitter. Criteria: Invitae Variant Classification Sherloc (09022015). Collection method: clinical testing. Allele origin: germline.

CeGaT Center for Human Genetics Tuebingen
Classification: Likely benign. Last evaluated: 2025-02-01. Review status: criteria provided, single submitter. Criteria: CeGaT Center For Human Genetics Tuebingen Variant Classification Criteria Version 2. Collection method: clinical testing. Allele origin: germline. Affected: yes. Observed: 2 variant alleles.
Comment: KRT16: BP4, BS1

Blueprint Genetics
Classification: Likely benign. Last evaluated: 2024-11-11. Review status: criteria provided, single submitter. Criteria: ACMG Guidelines, 2015. Collection method: clinical testing. Allele origin: germline.

Breakthrough Genomics
Classification: Benign. Review status: criteria provided, single submitter. Criteria: ACMG Guidelines, 2015. Collection method: not provided. Allele origin: germline. Inheritance: Autosomal dominant inheritance. Affected: yes.